The following is an entry in ClinVar:

NM_005359.6(SMAD4):c.424+9A>G

Gene: SMAD4 (SMAD family member 4; plus strand). Cytogenetic location: 18q21.2.
Variant type: single nucleotide variant.
Coding change: c.424+9A>G on transcript NM_005359.6 (MANE Select); 9 bases into the intron after coding-DNA position 424, A replaced by G.
Molecular consequence: intron variant.
Genome position (GRCh38, 1-based): chr18:51,048,869, A>G. VCF-style: chr18-51048869-A-G. GRCh37 (hg19) VCF-style: chr18-48575239-A-G.
Other names: c.424+9A>G (NM_001407042.1, NM_001407041.1, NM_001407043.1).
Identifiers: ClinVar variation 2769885 (VCV002769885.4), dbSNP rs2144406415, ClinGen allele CA2697555508.

ClinVar aggregate classification (germline): Likely benign. Review status: criteria provided, multiple submitters, no conflicts (2 of 4 stars). 2 submissions from 2 submitters: Likely benign (2). Last evaluated 2025-03-19.

Conditions:
Juvenile polyposis/hereditary hemorrhagic telangiectasia syndrome (JPHT). Also called: JP/HHT SYNDROME; JUVENILE POLYPOSIS WITH HEREDITARY HEMORRHAGIC TELANGIECTASIA; POLYPOSIS, GENERALIZED JUVENILE, WITH PULMONARY ARTERIOVENOUS MALFORMATION; TELANGIECTASIA, HEREDITARY HEMORRHAGIC, WITH JUVENILE POLYPOSIS COLI; Juvenile Polyposis Syndrome / Hereditary Hemorrhagic Telangiectasia (JPS/HHT). Identifiers: Orphanet 2929, MedGen C1832942, MONDO:0008278, OMIM 175050.
Juvenile polyposis syndrome (JPS). Identifiers: Orphanet 2929, MedGen C0345893, MONDO:0017380, OMIM 174900.

Submissions (2):

Myriad Genetics, Inc.
Classification: Likely benign for Juvenile polyposis/hereditary hemorrhagic telangiectasia syndrome. Last evaluated: 2025-03-19. Review status: criteria provided, single submitter. Criteria: Myriad Autosomal Dominant, Autosomal Recessive and X-Linked Classification Criteria (2023). Collection method: clinical testing. Allele origin: unknown.
Comment: This variant is considered likely benign. This variant is intronic and is not expected to impact mRNA splicing.

Labcorp Genetics (formerly Invitae), Labcorp
Classification: Likely benign for Juvenile polyposis syndrome. Last evaluated: 2023-07-14. Review status: criteria provided, single submitter. Criteria: Invitae Variant Classification Sherloc (09022015). Collection method: clinical testing. Allele origin: germline.